The following is an entry in ClinVar:

NM_024675.4(PALB2):c.661_662delinsTA (p.Val221Ter)

Gene: PALB2 (partner and localizer of BRCA2; minus strand). Cytogenetic location: 16p12.2.
Variant type: Indel.
Coding change: c.661_662delinsTA on transcript NM_024675.4 (MANE Select); coding-DNA positions 661 to 662, GT replaced by TA.
Protein change: p.Val221Ter; replaces valine 221 with a stop codon.
Molecular consequence: nonsense.
Genome position (GRCh38, 1-based): chr16:23,635,884-23,635,885, AC replaced by TA on the plus strand (GT replaced by TA on the coding strand, the reverse complement: PALB2 is on the minus strand). VCF-style: chr16-23635884-AC-TA. GRCh37 (hg19) VCF-style: chr16-23647205-AC-TA.
Other names: c.661_662delGTinsTA (NM_024675.3); short protein forms V221*.
Identifiers: ClinVar variation 142540 (VCV000142540.25), dbSNP rs587782531, ClinGen allele CA168666.

ClinVar aggregate classification (germline): Pathogenic. Review status: criteria provided, multiple submitters, no conflicts (2 of 4 stars). 9 submissions from 9 submitters: Pathogenic (7). 2 of the submissions do not count toward it. Last evaluated 2026-08-16.

Conditions:
Hereditary cancer-predisposing syndrome. Also called: Neoplastic Syndromes, Hereditary; Hereditary Cancer Syndrome; Tumor predisposition; Hereditary neoplastic syndrome. Identifiers: Orphanet 140162, MedGen C0027672, MeSH D009386, MONDO:0015356.
Familial cancer of breast. Also called: BREAST CANCER, FAMILIAL; Hereditary breast cancer; hereditary breast carcinoma. Identifiers: Orphanet 227535, MedGen C0346153, MONDO:0016419, OMIM 114480. Disease mechanism: loss of function.
Malignant tumor of breast. Also called: Malignant breast neoplasm; Cancer breast. Identifiers: MedGen C0006142, MONDO:0007254. Disease mechanism: loss of function.

Submissions (9):

GeneDx
Classification: Pathogenic. Last evaluated: 2026-08-16. Review status: criteria provided, single submitter. Criteria: GeneDx Variant Classification Process June 2021. Collection method: clinical testing. Allele origin: germline.
Comment: Observed in individuals with a personal and/or family history of breast, ovarian, or other cancers (PMID: 24136930, 28888541, 28008555, 37065479, 39029294); Nonsense variant predicted to result in protein truncation or nonsense mediated decay in a gene for which loss of function is a known mechanism of disease; Not observed at significant frequency in large population cohorts (gnomAD); Truncating variants in this gene are considered pathogenic by a well-established clinical consortium and/or database; This variant is associated with the following publications: (PMID: 24136930, 24763289, 28008555, 28152038, 29649263, 28888541, 37065479, 39029294)

Labcorp Genetics (formerly Invitae), Labcorp
Classification: Pathogenic for Familial cancer of breast. Last evaluated: 2025-08-24. Review status: criteria provided, single submitter. Criteria: Invitae Variant Classification Sherloc (09022015). Collection method: clinical testing. Allele origin: germline.
Comment: This sequence change creates a premature translational stop signal (p.Val221*) in the PALB2 gene. It is expected to result in an absent or disrupted protein product. Loss-of-function variants in PALB2 are known to be pathogenic (PMID: 17200668, 17200671, 17200672, 24136930, 25099575). Information on the frequency of this variant in the gnomAD database is not available, as this variant may be reported differently in the database. This premature translational stop signal has been observed in individual(s) with breast cancer and male breast cancer and thyroid cancer (PMID: 24136930, 28008555). ClinVar contains an entry for this variant (Variation ID: 142540). For these reasons, this variant has been classified as Pathogenic.

Ambry Genetics
Classification: Pathogenic for Hereditary cancer-predisposing syndrome. Last evaluated: 2025-07-16. Review status: criteria provided, single submitter. Criteria: Ambry Variant Classification Scheme 2023. Collection method: clinical testing. Allele origin: germline.
Comment: The c.661_662delGTinsTA pathogenic mutation, located in coding exon 4 of the PALB2 gene, results from an in-frame deletion of GT and insertion of TA at nucleotide positions 661 and 662. This changes the amino acid from a valine to a stop codon at codon 221 and this alteration can also be designated as p.V221*. This variant is considered to be rare based on population cohorts in the Genome Aggregation Database (gnomAD). In addition to the clinical data presented in the literature, this alteration is expected to result in loss of function by premature protein truncation or nonsense-mediated mRNA decay. As such, this alteration is interpreted as a disease-causing mutation.

Color Diagnostics, LLC DBA Color Health
Classification: Pathogenic for Hereditary cancer-predisposing syndrome. Last evaluated: 2024-03-04. Review status: criteria provided, single submitter. Criteria: ACMG Guidelines, 2015. Collection method: clinical testing. Allele origin: germline.
Comment: This variant substitutes two nucleotides GT with TA in exon 4 of the PALB2 gene, creating a premature translation stop signal. This variant is expected to result in an absent or non-functional protein product. This variant has not been identified in the general population by the Genome Aggregation Database (gnomAD). Loss of PALB2 function is a known mechanism of disease. Based on the available evidence, this variant is classified as Pathogenic.

Myriad Genetics, Inc.
Classification: Pathogenic for Familial cancer of breast. Last evaluated: 2023-09-06. Review status: criteria provided, single submitter. Criteria: Myriad Autosomal Dominant, Autosomal Recessive and X-Linked Classification Criteria (2023). Collection method: clinical testing. Allele origin: unknown.
Comment: This variant is considered pathogenic. This variant creates a termination codon and is predicted to result in premature protein truncation.

Baylor Genetics
Classification: Pathogenic for Familial cancer of breast. Last evaluated: 2023-05-08. Review status: criteria provided, single submitter. Criteria: ACMG Guidelines, 2015. Collection method: clinical testing. Allele origin: unknown.

Women's Health and Genetics/Laboratory Corporation of America, LabCorp
Classification: Pathogenic for Malignant tumor of breast. Last evaluated: 2021-04-04. Review status: criteria provided, single submitter. Criteria: LabCorp Variant Classification Summary - May 2015. Collection method: clinical testing. Allele origin: germline.
Comment: Variant summary: PALB2 c.661_662delinsTA (p.Val221X) results in a premature termination codon, predicted to cause a truncation of the encoded protein or absence of the protein due to nonsense mediated decay, which are commonly known mechanisms for disease. Truncations downstream of this position have been classified as pathogenic by our laboratory. The variant was absent in 251302 control chromosomes. c.661_662delinsTA has been reported in the literature in individuals affected with breast cancer (Janatova_2013) and breast/thyroid cancer (Pritzlaff_2013). These data indicate that the variant may be associated with disease. To our knowledge, no experimental evidence demonstrating an impact on protein function has been reported. Three clinical diagnostic laboratories and one database (LOVD) have submitted clinical-significance assessments for this variant to ClinVar after 2014 without evidence for independent evaluation. All submitters classified the variant as pathogenic. Based on the evidence outlined above, the variant was classified as pathogenic.

Leiden Open Variation Database
Classification: Pathogenic for Familial cancer of breast. Last evaluated: 2019-05-13. Review status: no assertion criteria provided. Collection method: curation. Allele origin: germline. Affected: yes. Not counted in ClinVar's aggregate classification.
Comment: Curators: Marc Tischkowitz, Arleen D. Auerbach. Submitter to LOVD: Marc Tischkowitz.

Department of Pathology and Laboratory Medicine, Sinai Health System
Classification: Pathogenic for Malignant tumor of breast. Review status: no assertion criteria provided. Collection method: clinical testing. Allele origin: unknown. Affected: yes. Study: The Canadian Open Genetics Repository (COGR). Not counted in ClinVar's aggregate classification.
Comment: The PALB2 p.Val221X variant was identified in 3 of 6406 proband chromosomes (frequency: 0.0005) from individuals or families with breast cancer and was not identified in 2452 control chromosomes from healthy individuals (Janatova 2013, LaDuca 2014, Pritzlaff 2017). The variant was also identified in the following databases: dbSNP (ID: rs587782531) as "With Pathogenic allele", ClinVar/Clinvitae (2x, pathogenic), and LOVD 3.0 (1x). The variant was not identified in Cosmic, MutDB, or Zhejiang Colon Cancer Database. The variant was not identified in the control databases: the 1000 Genomes Project, the NHLBI GO Exome Sequencing Project, the Exome Aggregation Consortium (August 8th 2016), or the Genome Aggregation Database (Feb 27, 2017). The c.661_662delinsTA variant leads to a premature stop codon at position 221 which is predicted to lead to a truncated or absent protein and loss of function. Loss of function variants of the PALB2 gene are an established mechanism of disease in breast cancer and is the type of variant expected to cause the disorder. In summary, based on the above information this variant meets our laboratoryâ€šÃ„Ã´s criteria to be classified as pathogenic.

Literature cited by the submitters: PubMed 17200668 (cited by Labcorp Genetics (formerly Invitae), Labcorp); PubMed 17200671 (cited by Labcorp Genetics (formerly Invitae), Labcorp); PubMed 17200672 (cited by Labcorp Genetics (formerly Invitae), Labcorp); PubMed 24136930 (cited by 5 submitters); PubMed 25099575 (cited by Labcorp Genetics (formerly Invitae), Labcorp); PubMed 28008555 (cited by 4 submitters).